The following is an entry in ClinVar:

NM_002087.4(GRN):c.1317_1318del (p.Asp441fs)

Gene: GRN (granulin precursor; plus strand). Cytogenetic location: 17q21.31.
Variant type: Deletion.
Coding change: c.1317_1318del on transcript NM_002087.4 (MANE Select); coding-DNA positions 1317 to 1318, 2 bases deleted (CA; older notation c.1317_1318delCA).
Protein change: p.Asp441fs; shifts the reading frame from aspartic acid 441.
Molecular consequence: frameshift variant.
Genome position (GRCh38, 1-based): chr17:44,352,152-44,352,153, CA deleted. VCF-style (leftmost placement, unchanged base first): chr17-44352151-CCA-C. GRCh37 (hg19) VCF-style: chr17-42429519-CCA-C.
Other names: short protein forms D441fs.
Identifiers: ClinVar variation 2925625 (VCV002925625.3), dbSNP rs2510057977, ClinGen allele CA2576290563.

ClinVar aggregate classification (germline): Pathogenic (1 of 4 stars; one submission).

Conditions:
GRN-related frontotemporal lobar degeneration with Tdp43 inclusions (FTD2). Also called: GRN Frontotemporal Dementia; FRONTOTEMPORAL DEMENTIA WITH TDP43 INCLUSIONS, GRN-RELATED; DEMENTIA, HEREDITARY DYSPHASIC DISINHIBITION; FRONTOTEMPORAL LOBAR DEGENERATION WITH UBIQUITIN-POSITIVE INCLUSIONS; FTLD-TDP, GRN-RELATED. Identifiers: Orphanet 100070, Orphanet 282, MedGen C1843792, MONDO:0011842, OMIM 607485. Disease mechanism: loss of function.
Neuronal ceroid lipofuscinosis 11. Also called: GRN-Related Neuronal Ceroid-Lipofuscinosis. Identifiers: Orphanet 314629, Orphanet 79262, MedGen C3539123, MONDO:0013866, OMIM 614706.

Submission:

Labcorp Genetics (formerly Invitae), Labcorp
Classification: Pathogenic for Neuronal ceroid lipofuscinosis 11; GRN-related frontotemporal lobar degeneration with Tdp43 inclusions. Last evaluated: 2023-03-05. Review status: criteria provided, single submitter. Criteria: Invitae Variant Classification Sherloc (09022015). Collection method: clinical testing. Allele origin: germline.
Comment: This sequence change creates a premature translational stop signal (p.Asp441Hisfs*4) in the GRN gene. It is expected to result in an absent or disrupted protein product. Loss-of-function variants in GRN are known to be pathogenic (PMID: 16862116, 16950801, 22608501). This variant is not present in population databases (gnomAD no frequency). This premature translational stop signal has been observed in individual(s) with corticobasal syndrome and/or frontotemporal lobar degeneration (PMID: 19649643, 20142524, 21482928). For these reasons, this variant has been classified as Pathogenic.

Literature cited by the submitters: PubMed 16862116; PubMed 16950801; PubMed 22608501; PubMed 19649643; PubMed 20142524; PubMed 21482928.